The following is an entry in ClinVar:

ClinVar aggregate classification (germline): Pathogenic (1 of 4 stars; one submission).

Conditions:
Saethre-Chotzen syndrome (SCS). Also called: ACROCEPHALY, SKULL ASYMMETRY, AND MILD SYNDACTYLY; ACS III; CHOTZEN SYNDROME. Identifiers: Orphanet 794, MedGen C0175699, MONDO:0007042, OMIM 101400.
TWIST1-related craniosynostosis (CRS1). Also called: CRANIOSYNOSTOSIS 1. Identifiers: Orphanet 63440, MedGen C4551902, MONDO:0007399, OMIM 123100. Inheritance: Heterogenous inheritance pattern.

Submission:

Labcorp Genetics (formerly Invitae), Labcorp
Classification: Pathogenic for TWIST1-related craniosynostosis; Saethre-Chotzen syndrome. Last evaluated: 2024-05-29. Review status: criteria provided, single submitter. Criteria: Invitae Variant Classification Sherloc (09022015). Collection method: clinical testing. Allele origin: germline.
Comment: This sequence change creates a premature translational stop signal (p.Glu104*) in the TWIST1 gene. It is expected to result in an absent or disrupted protein product. Loss-of-function variants in TWIST1 are known to be pathogenic (PMID: 10749989). This variant is not present in population databases (gnomAD no frequency). This premature translational stop signal has been observed in individual(s) with Saethre-Chotzen syndrome (PMID: 9585583). ClinVar contains an entry for this variant (Variation ID: 1458491). For these reasons, this variant has been classified as Pathogenic.

Literature cited by the submitters: PubMed 10749989; PubMed 9585583.

NM_000474.4(TWIST1):c.310G>T (p.Glu104Ter)

Gene: TWIST1 (twist family bHLH transcription factor 1; minus strand). Cytogenetic location: 7p21.1.
Variant type: single nucleotide variant.
Coding change: c.310G>T on transcript NM_000474.4 (MANE Select); coding-DNA position 310, G replaced by T.
Protein change: p.Glu104Ter; replaces glutamic acid 104 with a stop codon.
Molecular consequence: nonsense. On other transcripts: non-coding transcript variant (1).
Genome position (GRCh38, 1-based): chr7:19,117,012, C>A on the plus strand (G>T on the coding strand, the complement: TWIST1 is on the minus strand). VCF-style: chr7-19117012-C-A. GRCh37 (hg19) VCF-style: chr7-19156635-C-A.
Other names: short protein forms E104*.
Identifiers: ClinVar variation 1458491 (VCV001458491.6), dbSNP rs757253926, ClinGen allele CA367015712.